The following is an entry in ClinVar:

NC_000014.9:g.(?_45153910)_(45200018_?)del

Gene: FANCM (FA complementation group M; plus strand). Cytogenetic location: 14q21.2.
Variant type: Deletion.
Identifiers: ClinVar variation 639370 (VCV000639370.2).

ClinVar aggregate classification (germline): Likely pathogenic (1 of 4 stars; one submission).

Conditions:
Fanconi anemia (FA). Also called: Fanconi's anemia. Identifiers: Orphanet 84, MedGen C0015625, MeSH D005199, MONDO:0019391.

Submission:

Labcorp Genetics (formerly Invitae), Labcorp
Classification: Likely pathogenic for Fanconi anemia. Last evaluated: 2019-05-01. Review status: criteria provided, single submitter. Criteria: Invitae Variant Classification Sherloc (09022015). Collection method: clinical testing. Allele origin: germline.
Comment: This variant is a gross deletion of the genomic region encompassing exons 6-23 of the FANCM gene. The 5' boundary is likely confined to intron 5. The 3' end of this event is unknown as it extends through the termination codon beyond the assayed region for this gene and may encompass additional genes. While this deletion is not anticipated to result in nonsense mediated decay, it is expected to create a truncated protein product or disrupt mRNA translation. This variant has not been reported in the literature in individuals with FANCM-related conditions. This variant disrupts the C-terminal domain of the FANCM protein, including the entire ERCC4 nuclease domain and the helix-hairpin-helix (HhH) motifs. These domains are critical for the interaction between FANCM and its DNA-binding partner FAAP24, as well as chromatin localization of the FANCM/FAAP24 complex and the activation of the FA core complex (PMID: 17289582, 23932590, 18174376, 19379763, 24003026). While functional studies have not been performed to directly test the effect of this variant on FANCM protein function, this suggests that disruption of this region of the protein may be causative of disease. In summary, the currently available evidence indicates that the variant is pathogenic, but additional data are needed to prove that conclusively. Therefore, this variant has been classified as Likely Pathogenic.

Literature cited by the submitters: PubMed 18174376; PubMed 17289582; PubMed 24003026; PubMed 23932590; PubMed 19379763.